The following is an entry in ClinVar:

ClinVar aggregate classification (germline): Uncertain significance. Review status: criteria provided, multiple submitters, no conflicts (2 of 4 stars). 2 submissions from 2 submitters: Uncertain significance (2). Last evaluated 2025-01-01.

Submissions (2):

Ambry Genetics
Classification: Uncertain significance. Last evaluated: 2025-01-01. Review status: criteria provided, single submitter. Criteria: Ambry Variant Classification Scheme 2023. Collection method: clinical testing. Allele origin: germline.

Labcorp Genetics (formerly Invitae), Labcorp
Classification: Uncertain significance. Last evaluated: 2022-03-10. Review status: criteria provided, single submitter. Criteria: Invitae Variant Classification Sherloc (09022015). Collection method: clinical testing. Allele origin: germline.
Comment: In summary, the available evidence is currently insufficient to determine the role of this variant in disease. Therefore, it has been classified as a Variant of Uncertain Significance. Algorithms developed to predict the effect of missense changes on protein structure and function are either unavailable or do not agree on the potential impact of this missense change (SIFT: "Deleterious"; PolyPhen-2: "Probably Damaging"; Align-GVGD: "Class C0"). This variant has not been reported in the literature in individuals affected with ABRAXAS1-related conditions. This variant is present in population databases (rs780156756, gnomAD 0.003%). This sequence change replaces alanine, which is neutral and non-polar, with valine, which is neutral and non-polar, at codon 41 of the ABRAXAS1 protein (p.Ala41Val).

NM_139076.3(ABRAXAS1):c.122C>T (p.Ala41Val)

Gene: ABRAXAS1 (abraxas 1, BRCA1 A complex subunit; minus strand). Cytogenetic location: 4q21.23.
Variant type: single nucleotide variant.
Coding change: c.122C>T on transcript NM_139076.3 (MANE Select); coding-DNA position 122, C replaced by T.
Protein change: p.Ala41Val; replaces alanine 41 with valine.
Molecular consequence: missense variant. On other transcripts: 5 prime UTR variant (1).
Genome position (GRCh38, 1-based): chr4:83,482,210, G>A on the plus strand (C>T on the coding strand, the complement: ABRAXAS1 is on the minus strand). VCF-style: chr4-83482210-G-A. GRCh37 (hg19) VCF-style: chr4-84403363-G-A.
Other names: c.-139C>T (NM_001345962.2); c.122C>T (NM_139076.2); short protein forms A41V.
Identifiers: ClinVar variation 2189192 (VCV002189192.5), dbSNP rs780156756, ClinGen allele CA100694154.